The following is an entry in ClinVar:

NM_003001.5(SDHC):c.20+3G>A

Gene: SDHC (succinate dehydrogenase complex subunit C; plus strand). Cytogenetic location: 1q23.3.
Variant type: single nucleotide variant.
Coding change: c.20+3G>A on transcript NM_003001.5 (MANE Select); 3 bases into the intron after coding-DNA position 20, G replaced by A.
Molecular consequence: intron variant. On other transcripts: 5 prime UTR variant (1).
Genome position (GRCh38, 1-based): chr1:161,314,428, G>A. VCF-style: chr1-161314428-G-A. GRCh37 (hg19) VCF-style: chr1-161284218-G-A.
Other names: c.-538G>A (NM_001407119.1); c.-210+3G>A (NM_001407120.1); c.20+3G>A (NM_001407115.1, NM_001035511.3, NM_001035512.3 and 6 more transcripts).
Identifiers: ClinVar variation 407050 (VCV000407050.25), dbSNP rs377566366, ClinGen allele CA046376.
Genomic context (GRCh38, chr1:161,314,428, plus strand): 5'-GCCGCCTGGCGTCACTTCCGTCCAGACCGGAACCCAAGATGGCTGCGCTGTTGCTGAGGT[G>A]ACTTCAGTGGGACTGGGAGTTGGTGCCTGCGGCCCTCCGGAGATCTGAACTGGCCCCTCA-3'

ClinVar aggregate classification (germline): Likely benign. Review status: criteria provided, multiple submitters, no conflicts (2 of 4 stars). 3 submissions from 3 submitters: Likely benign (3). Last evaluated 2026-04-23.

Conditions:
Pheochromocytoma/paraganglioma syndrome 3. Also called: GLOMUS TUMORS, FAMILIAL, 3; SDHC-Related Hereditary Paraganglioma-Pheochromocytoma Syndrome (Paragangliomas 3); Paragangliomas 3; SDHC-Related Hereditary Paraganglioma-Pheochromocytoma Syndrome. Identifiers: Orphanet 29072, MedGen C1854336, MONDO:0011544, OMIM 605373.
Gastrointestinal stromal tumor. Also called: Gastrointestinal stromal tumor, somatic; Gastrointestinal stroma tumor. Identifiers: Orphanet 44890, MedGen C0238198, MeSH D046152, MONDO:0011719, OMIM 606764, HP:0100723.
Hereditary cancer-predisposing syndrome. Also called: Neoplastic Syndromes, Hereditary; Hereditary Cancer Syndrome; Hereditary neoplastic syndrome; Tumor predisposition. Identifiers: Orphanet 140162, MedGen C0027672, MeSH D009386, MONDO:0015356.

Allele frequency attached by ClinVar (database versions not stated): ExAC 0.00001; gnomAD 0.00001; TOPMed 0.00001; ESP Exome Variant Server 0.00008.
gnomAD v4.1: 1 of 1,610,680 alleles (0.000062%); highest among the groups gnomAD compares: African/African-American, 0.0014%; no homozygotes.

Submissions (3):

Ambry Genetics
Classification: Likely benign for Hereditary cancer-predisposing syndrome. Last evaluated: 2026-04-23. Review status: criteria provided, single submitter. Criteria: Ambry Variant Classification Scheme 2023. Collection method: clinical testing. Allele origin: germline.

Labcorp Genetics (formerly Invitae), Labcorp
Classification: Likely benign for Pheochromocytoma/paraganglioma syndrome 3; Gastrointestinal stromal tumor. Last evaluated: 2025-04-23. Review status: criteria provided, single submitter. Criteria: Invitae Variant Classification Sherloc (09022015). Collection method: clinical testing. Allele origin: germline.

Myriad Genetics, Inc.
Classification: Likely benign for Pheochromocytoma/paraganglioma syndrome 3. Last evaluated: 2025-03-13. Review status: criteria provided, single submitter. Criteria: Myriad Autosomal Dominant, Autosomal Recessive and X-Linked Classification Criteria (2023). Collection method: clinical testing. Allele origin: unknown.
Comment: This variant is considered likely benign. This variant is intronic and is not expected to impact mRNA splicing.